The following is an entry in ClinVar:

NM_177939.3(P4HTM):c.1494G>A (p.Ala498=)

Gene: P4HTM (prolyl 4-hydroxylase, transmembrane; plus strand). Cytogenetic location: 3p21.31.
Variant type: single nucleotide variant.
Coding change: c.1494G>A on transcript NM_177939.3 (MANE Select); coding-DNA position 1494, G replaced by A.
Protein change: p.Ala498=; no amino-acid change (alanine 498 retained).
Molecular consequence: synonymous variant.
Genome position (GRCh38, 1-based): chr3:49,006,892, G>A. VCF-style: chr3-49006892-G-A. GRCh37 (hg19) VCF-style: chr3-49044325-G-A.
Other names: c.1677G>A, p.Ala559= (NM_177938.2).
Identifiers: ClinVar variation 4984804 (VCV004984804.1).

ClinVar aggregate classification (germline): Likely benign (1 of 4 stars; one submission).

Conditions:
P4HTM-related disorder. Also called: P4HTM-related condition.

gnomAD v4.1: 8 of 1,611,932 alleles (0.0005%); highest among the groups gnomAD compares: African/African-American, 0.011%; no homozygotes.

Submission:

PreventionGenetics, part of Exact Sciences
Classification: Likely benign for P4HTM-related condition. Last evaluated: 2026-08-04. Review status: criteria provided, single submitter. Criteria: ACMG Guidelines, 2015. Collection method: clinical testing. Allele origin: germline.
Comment: This variant is classified as likely benign based on ACMG/AMP sequence variant interpretation guidelines (Richards et al. 2015 PMID: 25741868, with internal and published modifications).